The following is an entry in ClinVar:

NM_025150.5(TARS2):c.1578G>A (p.Trp526Ter)

Gene: TARS2 (threonyl-tRNA synthetase 2, mitochondrial; plus strand). Cytogenetic location: 1q21.2.
Variant type: single nucleotide variant.
Coding change: c.1578G>A on transcript NM_025150.5 (MANE Select); coding-DNA position 1578, G replaced by A.
Protein change: p.Trp526Ter; replaces tryptophan 526 with a stop codon.
Molecular consequence: nonsense. On other transcripts: non-coding transcript variant (2).
Genome position (GRCh38, 1-based): chr1:150,499,254, G>A. VCF-style: chr1-150499254-G-A. GRCh37 (hg19) VCF-style: chr1-150471730-G-A.
Other names: c.1332G>A, p.Trp444Ter (NM_001271895.2); c.1188G>A, p.Trp396Ter (NM_001271896.2); short protein forms W444*, W526*, W396*.
Identifiers: ClinVar variation 3592407 (VCV003592407.4).
Genomic context (GRCh38, chr1:150,499,254, plus strand): 5'-CTCTTGTCTCATTCCTTCAAAGGTCCTTAAACAGGCCCTGAAGGAATTTGGAGAACCCTG[G>A]GACCTCAACTCTGGAGATGGTGCCTTCTATGGACCTAAGGTAAGCTTGGGACCCTGGTTA-3'

ClinVar aggregate classification (germline): Conflicting classifications of pathogenicity. Review status: criteria provided, conflicting classifications (1 of 4 stars). 3 submissions from 3 submitters: Likely pathogenic (1); Uncertain significance (2). Last evaluated 2024-11-11.

Conditions:
Combined oxidative phosphorylation defect type 21. Also called: Combined oxidative phosphorylation deficiency 21. Identifiers: Orphanet 420733, MedGen C4706316, MONDO:0014398, OMIM 615918.

gnomAD v4.1: 2 of 1,614,110 alleles (0.00012%); highest among the groups gnomAD compares: East Asian, 0.0045%; no homozygotes.

Submissions (3):

Labcorp Genetics (formerly Invitae), Labcorp
Classification: Uncertain significance. Last evaluated: 2024-11-11. Review status: criteria provided, single submitter. Criteria: Invitae Variant Classification Sherloc (09022015). Collection method: clinical testing. Allele origin: germline.
Comment: This sequence change creates a premature translational stop signal (p.Trp526*) in the TARS2 gene. It is expected to result in an absent or disrupted protein product. However, the current clinical and genetic evidence is not sufficient to establish whether loss-of-function variants in TARS2 cause disease. This variant is present in population databases (rs756869375, gnomAD 0.02%). This variant has not been reported in the literature in individuals affected with TARS2-related conditions. In summary, the available evidence is currently insufficient to determine the role of this variant in disease. Therefore, it has been classified as a Variant of Uncertain Significance.

Fulgent Genetics
Classification: Uncertain significance for Combined oxidative phosphorylation defect type 21. Last evaluated: 2024-02-20. Review status: criteria provided, single submitter. Criteria: ACMG Guidelines, 2015. Collection method: clinical testing. Allele origin: germline.

Revvity Omics, Revvity
Classification: Likely pathogenic. Last evaluated: 2024-02-01. Review status: criteria provided, single submitter. Criteria: ACMG Guidelines, 2015. Collection method: clinical testing. Allele origin: germline.